The following is an entry in ClinVar:

NM_003001.5(SDHC):c.109G>A (p.Glu37Lys)

Gene: SDHC (succinate dehydrogenase complex subunit C; plus strand). Cytogenetic location: 1q23.3.
Variant type: single nucleotide variant.
Coding change: c.109G>A on transcript NM_003001.5 (MANE Select); coding-DNA position 109, G replaced by A.
Protein change: p.Glu37Lys; replaces glutamic acid 37 with lysine.
Molecular consequence: missense variant. On other transcripts: 5 prime UTR variant (2), non-coding transcript variant (1), intron variant (4).
Genome position (GRCh38, 1-based): chr1:161,328,427, G>A. VCF-style: chr1-161328427-G-A. GRCh37 (hg19) VCF-style: chr1-161298217-G-A.
Other names: c.109G>A, p.Glu37Lys (NM_001035511.3, NM_001407115.1); c.52G>A, p.Glu18Lys (NM_001407116.1, NM_001407117.1, NM_001407121.1); c.-3G>A (NM_001407119.1, NM_001407120.1); c.77+4757G>A (NM_001035512.3, NM_001278172.3, NM_001407118.1); c.21-12167G>A (NM_001035513.3); short protein forms E18K, E37K.
Identifiers: ClinVar variation 3748651 (VCV003748651.2).

ClinVar aggregate classification (germline): Uncertain significance (1 of 4 stars; one submission).

Conditions:
Gastrointestinal stromal tumor. Also called: Gastrointestinal stromal tumor, somatic; Gastrointestinal stroma tumor. Identifiers: Orphanet 44890, MedGen C0238198, MeSH D046152, MONDO:0011719, OMIM 606764, HP:0100723.
Pheochromocytoma/paraganglioma syndrome 3. Also called: GLOMUS TUMORS, FAMILIAL, 3; Paragangliomas 3; SDHC-Related Hereditary Paraganglioma-Pheochromocytoma Syndrome (Paragangliomas 3); SDHC-Related Hereditary Paraganglioma-Pheochromocytoma Syndrome. Identifiers: Orphanet 29072, MedGen C1854336, MONDO:0011544, OMIM 605373.

Submission:

Labcorp Genetics (formerly Invitae), Labcorp
Classification: Uncertain significance for Pheochromocytoma/paraganglioma syndrome 3; Gastrointestinal stromal tumor. Last evaluated: 2024-06-19. Review status: criteria provided, single submitter. Criteria: Invitae Variant Classification Sherloc (09022015). Collection method: clinical testing. Allele origin: germline.
Comment: This sequence change replaces glutamic acid, which is acidic and polar, with lysine, which is basic and polar, at codon 37 of the SDHC protein (p.Glu37Lys). This variant is not present in population databases (gnomAD no frequency). This variant has not been reported in the literature in individuals affected with SDHC-related conditions. An algorithm developed to predict the effect of missense changes on protein structure and function (PolyPhen-2) suggests that this variant is likely to be tolerated. In summary, the available evidence is currently insufficient to determine the role of this variant in disease. Therefore, it has been classified as a Variant of Uncertain Significance.